The following is an entry in ClinVar:

NM_001267550.2(TTN):c.48286G>T (p.Glu16096Ter)

Genes: TTN (titin; minus strand), TTN-AS1 (TTN antisense RNA 1; plus strand). Cytogenetic location: 2q31.2.
Variant type: single nucleotide variant.
Coding change: c.48286G>T on transcript NM_001267550.2 (MANE Select); coding-DNA position 48286, G replaced by T.
Protein change: p.Glu16096Ter; replaces glutamic acid 16096 with a stop codon.
Molecular consequence: nonsense.
Genome position (GRCh38, 1-based): chr2:178,616,505, C>A on the plus strand (G>T on the coding strand, the complement: TTN is on the minus strand). VCF-style: chr2-178616505-C-A. GRCh37 (hg19) VCF-style: chr2-179481232-C-A.
Other names: c.43363G>T, p.Glu14455Ter (NM_001256850.1); c.21091G>T, p.Glu7031Ter (NM_003319.4); c.40582G>T, p.Glu13528Ter (NM_133378.4); c.21466G>T, p.Glu7156Ter (NM_133432.3); c.21667G>T, p.Glu7223Ter (NM_133437.4); short protein forms E13528*, E14455*, E16096*, E7031*, E7156*, E7223*.
Identifiers: ClinVar variation 1786018 (VCV001786018.3), dbSNP rs2470803770, ClinGen allele CA349611429.

ClinVar aggregate classification (germline): Likely pathogenic (1 of 4 stars; one submission).

Conditions:
Cardiovascular phenotype. Identifiers: MedGen CN230736.

Submission:

Ambry Genetics
Classification: Likely pathogenic for Cardiovascular phenotype. Last evaluated: 2026-07-10. Review status: criteria provided, single submitter. Criteria: Ambry Variant Classification Scheme 2023. Collection method: clinical testing. Allele origin: germline.
Comment: The p.E7031* variant (also known as c.21091G>T), located in coding exon 84 of the TTN gene, results from a G to T substitution at nucleotide position 21091. This changes the amino acid from a glutamic acid to a stop codon within coding exon 84. This exon is located in the A-band region of the N2-B isoform of the titin protein and is constitutively expressed in TTN transcripts (percent spliced in or PSI 100%). This variant is considered to be rare based on population cohorts in the Genome Aggregation Database (gnomAD). This alteration is expected to result in loss of function by premature protein truncation or nonsense-mediated mRNA decay. While truncating variants in TTN are present in 1-3% of the general population, truncating variants in the A-band are the most common cause of dilated cardiomyopathy (DCM) (Herman DS et al. N. Engl. J. Med., 2012 Feb;366:619-28; Roberts AM et al. Sci Transl Med, 2015 Jan;7:270ra6). TTN truncating variants encoded in constitutive exons (PSI >90%) have been found to be significantly associated with DCM regardless of their position in titin (Schafer S et al. Nat. Genet., 2017 01;49:46-53). Based on the majority of available evidence to date, this variant is likely to be pathogenic.